The following is an entry in ClinVar:

NM_001242.5(CD27):c.716AGG[2] (p.Glu241del)

Genes: CD27 (CD27 molecule; plus strand), CD27-AS1 (CD27 antisense RNA 1; minus strand). Cytogenetic location: 12p13.31.
Variant type: Microsatellite.
Coding change: c.716AGG[2] on transcript NM_001242.5 (MANE Select); two copies in a row of the 3-base unit AGG starting at c.716; the reference has three copies in a row; one copy, 3 bases deleted.
Protein change: p.Glu241del; deletes glutamic acid 241.
Molecular consequence: inframe deletion. On other transcripts: non-coding transcript variant (5).
Genome position (GRCh38, 1-based): chr12:6,451,331-6,451,333, AGG deleted; deleting any 3 consecutive bases within chr12:6,451,323-6,451,333 gives the same sequence; the position shown is the placement nearest the transcript's 3' end. VCF-style (leftmost placement, unchanged base first): chr12-6451322-GGGA-G. GRCh37 (hg19) VCF-style: chr12-6560488-GGGA-G.
Other names: c.809AGG[2], p.Glu272del (NM_001413263.1); c.689AGG[2], p.Glu232del (NM_001413264.1); c.536AGG[2], p.Glu181del (NM_001413265.1); c.266AGG[2], p.Glu91del (NM_001413266.1, NM_001413267.1, NM_001413268.1); short protein forms E241del, E91del, E181del, E232del, E272del.
Identifiers: ClinVar variation 4692967 (VCV004692967.1).
Genomic context (GRCh38, chr12:6,451,322, plus strand): 5'-CTGCAGACAAAGGAGAAAGTCCTGTGGAGCCTGCAGAGCCTTGTCATTACAGCTGCCCCA[GGGA>G]GGAGGAGGGCAGCACCATCCCCATCCAGGAGGATTACCGAAAACCGGAGCCTGCCTGCTC-3'

ClinVar aggregate classification (germline): Uncertain significance (1 of 4 stars; one submission).

Conditions:
Lymphoproliferative syndrome 2 (LPFS2). Also called: CD27 DEFICIENCY; Combined immunodeficiency due to CD27 deficiency. Identifiers: Orphanet 238505, MedGen C3554540, MONDO:0014054, OMIM 615122.

Submission:

Labcorp Genetics (formerly Invitae), Labcorp
Classification: Uncertain significance for Lymphoproliferative syndrome 2. Last evaluated: 2026-01-12. Review status: criteria provided, single submitter. Criteria: Invitae Variant Classification Sherloc (09022015). Collection method: clinical testing. Allele origin: germline.
Comment: This variant, c.722_724del, results in the deletion of 1 amino acid(s) of the CD27 protein (p.Glu241del), but otherwise preserves the integrity of the reading frame. This variant is present in population databases (rs776089109, gnomAD 0.003%). This variant has not been reported in the literature in individuals affected with CD27-related conditions. Experimental studies and prediction algorithms are not available or were not evaluated, and the functional significance of this variant is currently unknown. In summary, the available evidence is currently insufficient to determine the role of this variant in disease. Therefore, it has been classified as a Variant of Uncertain Significance.